The following is an entry in ClinVar:

NM_206937.2(LIG4):c.1210del (p.Gln404fs)

Gene: LIG4 (DNA ligase 4; minus strand). Cytogenetic location: 13q33.3.
Variant type: Deletion.
Coding change: c.1210del on transcript NM_206937.2 (MANE Select); coding-DNA position 1210, one base deleted (C; older notation c.1210delC).
Protein change: p.Gln404fs; shifts the reading frame from glutamine 404.
Molecular consequence: frameshift variant.
Genome position (GRCh38, 1-based): chr13:108,210,059, G deleted on the plus strand (C on the coding strand, the reverse complement: LIG4 is on the minus strand). VCF-style (leftmost placement, unchanged base first): chr13-108210058-TG-T. GRCh37 (hg19) VCF-style: chr13-108862406-TG-T.
Other names: c.1210del, p.Gln404fs (NM_001098268.2, NM_001352598.2, NM_001352599.2 and 6 more transcripts); c.1009del, p.Gln337fs (NM_001330595.2); c.1246del, p.Gln416fs (NM_001352604.2); short protein forms Q416fs, Q337fs, Q404fs.
Identifiers: ClinVar variation 2724097 (VCV002724097.3), dbSNP rs2501606132, ClinGen allele CA2697549263.

ClinVar aggregate classification (germline): Pathogenic (1 of 4 stars; one submission).

Conditions:
DNA ligase IV deficiency. Identifiers: Orphanet 99812, MedGen C1847827, MONDO:0011686, OMIM 606593.

Submission:

Labcorp Genetics (formerly Invitae), Labcorp
Classification: Pathogenic for DNA ligase IV deficiency. Last evaluated: 2023-11-27. Review status: criteria provided, single submitter. Criteria: Invitae Variant Classification Sherloc (09022015). Collection method: clinical testing. Allele origin: germline.
Comment: This sequence change creates a premature translational stop signal (p.Gln404Argfs*11) in the LIG4 gene. While this is not anticipated to result in nonsense mediated decay, it is expected to disrupt the last 508 amino acid(s) of the LIG4 protein. This variant is not present in population databases (gnomAD no frequency). This variant has not been reported in the literature in individuals affected with LIG4-related conditions. This variant disrupts a region of the LIG4 protein in which other variant(s) (p.Gln904*) have been determined to be pathogenic (PMID: 34630384). This suggests that this is a clinically significant region of the protein, and that variants that disrupt it are likely to be disease-causing. For these reasons, this variant has been classified as Pathogenic.

Literature cited by the submitters: PubMed 34630384.